The following is an entry in ClinVar:

ClinVar aggregate classification (germline): Uncertain significance. Review status: criteria provided, multiple submitters, no conflicts (2 of 4 stars). 4 submissions from 4 submitters: Uncertain significance (4). Last evaluated 2026-01-28.

Conditions:
Dyskeratosis congenita, autosomal dominant 2. Identifiers: MedGen C3151443, MONDO:0013521, OMIM 613989.
Idiopathic Pulmonary Fibrosis. Also called: Idiopathic fibrosing alveolitis, chronic form; idiopathic fibrosing alveolitis. Identifiers: Orphanet 2032, MedGen C1800706, MeSH D054990, MONDO:0800504.
TERT-related disorder. Also called: TERT-related condition; TERT-related disorders.
Pulmonary fibrosis and/or bone marrow failure, Telomere-related, 1. Also called: PULMONARY FIBROSIS AND/OR BONE MARROW FAILURE SYNDROME, TELOMERE-RELATED, 1. Identifiers: Orphanet 88, MedGen C3553617, MONDO:0013878, OMIM 614742.
Dyskeratosis congenita. Identifiers: Orphanet 1775, MedGen C0265965, MONDO:0015780.

Allele frequency attached by ClinVar (database versions not stated): gnomAD exomes 0.00001.

Submissions (4):

Ambry Genetics
Classification: Uncertain significance for Dyskeratosis congenita. Last evaluated: 2026-01-28. Review status: criteria provided, single submitter. Criteria: Ambry Variant Classification Scheme 2023. Collection method: clinical testing. Allele origin: germline.
Comment: The c.2655-47_2659dup52 variant results from a duplication of 52 nucleotides between positions 2655-47 and 2659 and involves the canonical splice acceptor site before coding exon 11 of the TERT gene. In silico splice site analysis predicts that this alteration may result in the creation or strengthening of a novel splice acceptor site; however, the exact impact of this duplication on splicing and function is currently unknown. The canonical splice acceptor site is highly conserved in available vertebrate species. Based on the available evidence, the clinical significance of this variant remains unclear.

Labcorp Genetics (formerly Invitae), Labcorp
Classification: Uncertain significance for Dyskeratosis congenita, autosomal dominant 2; Idiopathic Pulmonary Fibrosis. Last evaluated: 2025-12-20. Review status: criteria provided, single submitter. Criteria: Invitae Variant Classification Sherloc (09022015). Collection method: clinical testing. Allele origin: germline.
Comment: This sequence change falls in intron 10 of the TERT gene. It does not directly change the encoded amino acid sequence of the TERT protein. This variant is present in population databases (no rsID available, gnomAD 0.003%). This variant has not been reported in the literature in individuals affected with TERT-related conditions. ClinVar contains an entry for this variant (Variation ID: 1041211). Experimental studies and prediction algorithms are not available or were not evaluated, and the effect of this variant on mRNA splicing is currently unknown. In summary, the available evidence is currently insufficient to determine the role of this variant in disease. Therefore, it has been classified as a Variant of Uncertain Significance.

New York Genome Center
Classification: Uncertain significance for Dyskeratosis congenita, autosomal dominant 2; Pulmonary fibrosis and/or bone marrow failure, Telomere-related, 1. Last evaluated: 2023-02-15. Review status: criteria provided, single submitter. Criteria: NYGC Assertion Criteria 2020. Collection method: clinical testing. Allele origin: inherited. Observed: 1 heterozygote.
Comment: The c.2655-47_2659dup variant in TERT has not previously been reported in individuals with DC/TBD; it has been deposited in ClinVar [ClinVar ID: 1041211] as Uncertain significance by one submitter without affectedness status given. The c.2655-47_2659dup variant is observed in 2 alleles with 0 homozygote in population databases (gnomAD v2.1.1 and v3.1.2, TOPMed Freeze 8), suggesting it is not a common benign variant in the populations represented in those databases. The c.2655-47_2659dup variant in TERT is located in exon-intron junction of exon 11 of this 16-exon gene, and the duplicated base sequence contains 5 exonic and 47 intronic base pairs. The molecular effect of the variant is not known (NP_937983.2:p.?). Based on available evidence this inherited c.2655-47_2659dup variant identified in TERT is classified as a Variant of Uncertain Significance.

PreventionGenetics, part of Exact Sciences
Classification: Uncertain significance for TERT-related condition. Last evaluated: 2023-01-06. Review status: criteria provided, single submitter. Criteria: ACMG Guidelines, 2015. Collection method: clinical testing. Allele origin: germline.
Comment: The TERT c.2655-47_2659dup52 variant is predicted to result in a frameshift and premature protein termination (p.Leu887Argfs*16). This variant has been seen in at least one individual with idiopathic pulmonary fibrosis and short telomere who also carried the p.Arg742Cys missense variant (Patient 13 in Table S1; Justet et al. 2021. PubMed ID: 33214205). This variant is reported in 0.0029% of alleles in individuals of Latino descent in gnomAD. Of note, this variant is located within an exon that is not present in other transcripts of this gene. This variant is interpreted as variant of uncertain significance in Clinvar (Variation ID: 1041211). Although we suspect that this variant may be pathogenic, at this time, the clinical significance of this variant is uncertain due to the absence of conclusive functional and genetic evidence.

NM_198253.3(TERT):c.2655-47_2659dup

Gene: TERT (telomerase reverse transcriptase; minus strand). Cytogenetic location: 5p15.33.
Variant type: Duplication.
Coding change: c.2655-47_2659dup on transcript NM_198253.3 (MANE Select); 47 bases into the intron before coding-DNA position 2655 through coding-DNA position 2659, 52 bases duplicated.
Molecular consequence: splice acceptor variant. On other transcripts: intron variant (1).
Genome position (GRCh38, 1-based): chr5:1,264,588-1,264,639, 52 bases duplicated. GRCh37 (hg19): chr5:1,264,703-1,264,754.
Other names: c.2655-47_2659dup52 (NM_198253.2); c.2655-47_2659dupGGGTGACGGCCCCGCATCCTGGGGCTGACATTGCCCCTCTGCCTTAGGACCC (NM_198253.2); c.2654+1825_2654+1876dup (NM_001193376.3).
Identifiers: ClinVar variation 1041211 (VCV001041211.46), dbSNP rs1561193114, ClinGen allele CA557565700.